The following continues an entry in ClinVar:

NM_000492.4(CFTR):c.3737C>T (p.Thr1246Ile)

ClinVar aggregate classification (germline): Pathogenic/Likely pathogenic. Pathogenic (8); Likely pathogenic (4).

Submissions 11 to 14 of 14:

ARUP Laboratories, Molecular Genetics and Genomics, ARUP Laboratories
Classification: Likely pathogenic. Last evaluated: 2020-07-09. Review status: criteria provided, single submitter. Criteria: ARUP Molecular Germline Variant Investigation Process. Collection method: clinical testing. Allele origin: germline.
Comment: The CFTR c.3737C>T; p.Thr1246Ile variant (rs397508600) is reported in the literature in the compound heterozygous state with a different pathogenic variant in individuals affected with cystic fibrosis, a CFTR-related disorder, or borderline sweat chloride levels with no other significant symptoms (Claustres 2000, El-Seedy 2012, Goubau 2009, Masica 2015, Sermet-Gaudelus 2010, Sosnay 2017). This variant is reported in ClinVar (Variation ID: 53799), and is only observed on one allele in the Genome Aggregation Database, indicating it is not a common polymorphism. The threonine at codon 1246 is highly conserved, and computational analyses (SIFT, PolyPhen-2) predict that this variant is deleterious. In vitro functional analyses of the variant protein demonstrate 13% of wild-type function, consistent with an intermediate effect (Raraigh 2018). Based on available information, this variant is considered to be likely pathogenic with variable clinical consequences. References: Claustres M et al. Spectrum of CFTR mutations in cystic fibrosis and in congenital absence of the vas deferens in France. Hum Mutat. 2000;16(2):143-156. El-Seedy A et al. CFTR mutation combinations producing frequent complex alleles with different clinical and functional outcomes. Hum Mutat. 2012;33(11):1557-1565. Goubau C et al. Phenotypic characterisation of patients with intermediate sweat chloride values: towards validation of the European diagnostic algorithm for cystic fibrosis. Thorax. 2009;64(8):683-691. Masica DL et al. Missense variants in CFTR nucleotide-binding domains predict quantitative phenotypes associated with cystic fibrosis disease severity. Hum Mol Genet. 2015;24(7):1908-1917. Raraigh KS et al. Functional Assays Are Essential for Interpretation of Missense Variants Associated with Variable Expressivity. Am J Hum Genet. 2018;102(6):1062-1077. Sermet-Gaudelus I et al. Clinical phenotype and genotype of children with borderline sweat test and abnormal nasal epithelial chloride transport. Am J Respir Crit Care Med. 2010;182(7):929-936. Sosnay PR et al. Diagnosis of Cystic Fibrosis in Nonscreened Populations. J Pediatr. 2017;181S:S52-S57.e2. References: Claustres M et al. Spectrum of CFTR mutations in cystic fibrosis and in congenital absence of the vas deferens in France. Hum Mutat. 2000;16(2):143-156. El-Seedy A et al. CFTR mutation combinations producing frequent complex alleles with different clinical and functional outcomes. Hum Mutat. 2012;33(11):1557-1565. Goubau C et al. Phenotypic characterisation of patients with intermediate sweat chloride values: towards validation of the European diagnostic algorithm for cystic fibrosis. Thorax. 2009;64(8):683-691. Masica DL et al. Missense variants in CFTR nucleotide-binding domains predict quantitative phenotypes associated with cystic fibrosis disease severity. Hum Mol Genet. 2015;24(7):1908-1917. Raraigh KS et al. Functional Assays Are Essential for Interpretation of Missense Variants Associated with Variable Expressivity. Am J Hum Genet. 2018;102(6):1062-1077. Sermet-Gaudelus I et al. Clinical phenotype and genotype of children with borderline sweat test and abnormal nasal epithelial chloride transport. Am J Respir Crit Care Med. 2010;182(7):929-936. Sosnay PR, White TB, Farrell PM, et al. Diagnosis of Cystic Fibrosis in Nonscreened Populations. J Pediatr. 2017;181S:S52-S57.e2.

Johns Hopkins Genomics, Johns Hopkins University
Classification: Pathogenic for Cystic fibrosis. Last evaluated: 2020-04-27. Review status: criteria provided, single submitter. Criteria: ACMG Guidelines, 2015. Collection method: clinical testing. Allele origin: germline.
Comment: CFTR variant associated with varying clinical consequence. See CFTR2 for phenotype information.

PreventionGenetics, part of Exact Sciences
Classification: Likely pathogenic for CFTR-related condition. Last evaluated: 2024-01-18. Review status: no assertion criteria provided. Collection method: clinical testing. Allele origin: germline. Not counted in ClinVar's aggregate classification.
Comment: The CFTR c.3737C>T variant is predicted to result in the amino acid substitution p.Thr1246Ile. This variant, along with a second CFTR variant, has been reported in individuals with cystic fibrosis (CF) and cystic fibrosis-related disorders (CF-RD), including congenital bilateral absence of the vas deferens (Table 4, Claustres et al. 2000. PubMed ID: 10923036; Table 1, El-Seedy et al. 2012. PubMed ID: 22678879; Sosnay et al. 2017. PubMed ID: 28129813; CFTR-France database). This variant has also been reported in in the CFTR2 Database in more than 20 patients as a variant of varying clinical consequence and has been reported in the heterozygous state in a study of individuals with COPD or asthma (Supplementary Table 1, Saferali et al. 2022. PubMed ID: 34996830). In vitro experimental studies suggest this variant reduces CFTR function to 10%–20% compared to control (Raraigh et al. 2018. PubMed ID: 29805046; Han et al. 2018. PubMed ID: 30046002). This variant is reported in 0.00088% of alleles in individuals of European (non-Finnish) descent in gnomAD. Taken together, the c.3737C>T (p.Thr1246Ile) variant is interpreted as likely pathogenic.

Counsyl
Classification: Uncertain significance for Cystic fibrosis. Last evaluated: 2017-08-25. Review status: no assertion criteria provided. Collection method: clinical testing. Allele origin: unknown. Not counted in ClinVar's aggregate classification.

Literature cited by the submitters: PubMed 10923036 (cited by 5 submitters); PubMed 19318346 (cited by 3 submitters); PubMed 20538955 (cited by Labcorp Genetics (formerly Invitae), Labcorp and Ambry Genetics); PubMed 22678879 (cited by Labcorp Genetics (formerly Invitae), Labcorp and Women's Health and Genetics/Laboratory Corporation of America, LabCorp); PubMed 28129813 (cited by Labcorp Genetics (formerly Invitae), Labcorp and Women's Health and Genetics/Laboratory Corporation of America, LabCorp); PubMed 29805046 (cited by 4 submitters); PubMed 30046002 (cited by 3 submitters); PubMed 34086412 (cited by Natera, Inc.); PubMed 30888834 (cited by Natera, Inc. and Women's Health and Genetics/Laboratory Corporation of America, LabCorp); PubMed 39458161 (cited by Natera, Inc.); PubMed 15729345 (cited by Ambry Genetics and Women's Health and Genetics/Laboratory Corporation of America, LabCorp); PubMed 25489051 (cited by Ambry Genetics and Women's Health and Genetics/Laboratory Corporation of America, LabCorp).